The following is an entry in ClinVar:

NM_002336.3(LRP6):c.1436C>T (p.Ser479Phe)

Gene: LRP6 (LDL receptor related protein 6; minus strand). Cytogenetic location: 12p13.2.
Variant type: single nucleotide variant.
Coding change: c.1436C>T on transcript NM_002336.3 (MANE Select); coding-DNA position 1436, C replaced by T.
Protein change: p.Ser479Phe; replaces serine 479 with phenylalanine.
Molecular consequence: missense variant. On other transcripts: non-coding transcript variant (1).
Genome position (GRCh38, 1-based): chr12:12,179,919, G>A on the plus strand (C>T on the coding strand, the complement: LRP6 is on the minus strand). VCF-style: chr12-12179919-G-A. GRCh37 (hg19) VCF-style: chr12-12332853-G-A.
Other names: c.1436C>T, p.Ser479Phe (NM_001414244.1, NM_001414245.1, NM_001414246.1 and 5 more transcripts); c.1238C>T, p.Ser413Phe (NM_001414247.1); c.983C>T, p.Ser328Phe (NM_001414252.1, NM_001414253.1, NM_001414254.1); short protein forms S328F, S413F, S479F.
Identifiers: ClinVar variation 2519912 (VCV002519912.5), dbSNP rs147651260, ClinGen allele CA6455673.
Genomic context (GRCh38, chr12:12,179,919, plus strand): 5'-TAATCCAAGGCTAAACCATTTGGCCAACCAAGAGAAGTGTTAACCAATACTACACGGTCA[G>A]AACCATCCAGAGCTGCTCGCTCAATTTTCGGAATTTCTCCCCAGTCAGTCCAATACATGT-3'
Protein context (NP_002327.2, residues 469-489): PKIERAALDG[Ser479Phe]DRVVLVNTSL

ClinVar aggregate classification (germline): Uncertain significance. Review status: criteria provided, multiple submitters, no conflicts (2 of 4 stars). 2 submissions from 2 submitters: Uncertain significance (2). Last evaluated 2025-10-09.

Conditions:
Inborn genetic diseases. Identifiers: MedGen C0950123, MeSH D030342.

Allele frequency attached by ClinVar (database versions not stated): TOPMed 0.00003; ESP Exome Variant Server 0.00008; ExAC 0.00003; gnomAD 0.00004; gnomAD exomes 0.00005.
gnomAD v4.1: 80 of 1,613,834 alleles (0.005%); highest among the groups gnomAD compares: Middle Eastern, 0.049%; 1 homozygote.

Submissions (2):

Labcorp Genetics (formerly Invitae), Labcorp
Classification: Uncertain significance. Last evaluated: 2025-10-09. Review status: criteria provided, single submitter. Criteria: Invitae Variant Classification Sherloc (09022015). Collection method: clinical testing. Allele origin: germline.
Comment: This sequence change replaces serine, which is neutral and polar, with phenylalanine, which is neutral and non-polar, at codon 479 of the LRP6 protein (p.Ser479Phe). This variant is present in population databases (rs147651260, gnomAD 0.009%). This variant has not been reported in the literature in individuals affected with LRP6-related conditions. ClinVar contains an entry for this variant (Variation ID: 2519912). Invitae Evidence Modeling of protein sequence and biophysical properties (such as structural, functional, and spatial information, amino acid conservation, physicochemical variation, residue mobility, and thermodynamic stability) indicates that this missense variant is not expected to disrupt LRP6 protein function with a negative predictive value of 80%. In summary, the available evidence is currently insufficient to determine the role of this variant in disease. Therefore, it has been classified as a Variant of Uncertain Significance.

Ambry Genetics
Classification: Uncertain significance for Inborn genetic diseases. Last evaluated: 2023-05-08. Review status: criteria provided, single submitter. Criteria: Ambry Variant Classification Scheme 2023. Collection method: clinical testing. Allele origin: germline.